The following continues an entry in ClinVar:

NM_000487.6(ARSA):c.542T>G (p.Ile181Ser)

Gene: ARSA. ClinVar aggregate classification (germline): Pathogenic/Likely pathogenic. Pathogenic (22); Likely pathogenic (2).

Submissions 17 to 29 of 29:

Myriad Genetics, Inc.
Classification: Pathogenic for Metachromatic leukodystrophy. Last evaluated: 2019-12-04. Review status: criteria provided, single submitter. Criteria: Myriad Women's Health Autosomal Recessive and X-Linked Classification Criteria (2019). Collection method: clinical testing. Allele origin: unknown.
Comment: NM_000487.5(ARSA):c.542T>G(I181S) is classified as pathogenic in the context of metachromatic leukodystrophy. Sources cited for classification include the following: PMID 23701968. Classification of NM_000487.5(ARSA):c.542T>G(I181S) is based on the following criteria: This is a well-established pathogenic variant in the literature that has been observed more frequently in patients with clinical diagnoses than in healthy populations. Please note: this variant was assessed in the context of healthy population screening.

Institute of Human Genetics, University of Leipzig Medical Center
Classification: Pathogenic for Metachromatic leukodystrophy. Last evaluated: 2019-01-01. Review status: criteria provided, single submitter. Criteria: ACMG Guidelines, 2015. Collection method: clinical testing. Allele origin: unknown. Affected: yes.
Comment: This variant was identified as compound heterozygous.

Illumina Laboratory Services, Illumina
Classification: Pathogenic for Metachromatic leukodystrophy. Last evaluated: 2018-11-01. Review status: criteria provided, single submitter. Criteria: ICSL Variant Classification Criteria 09 May 2019. Collection method: clinical testing. Allele origin: germline.
Comment: Across a selection of the available literature, the ARSA c.542T>G (p.Ile181Ser) missense variant, also reported as p.Ile179Ser, has been identified in 24 individuals with arylsulfatase A deficiency, or metachromatic leukodystrophy, including in a compound heterozygous state in 11 individuals and in a heterozygous state in 13 individuals (Fluharty et al. 1991; Berger et al. 1997; Gomez-Lira et al. 1998; Lugowska et al. 2005). Testing methodology in these studies typically assessed for common variants and lacked comprehensive analysis of the gene for rarer variants, which might explain the presence of the p.Ile181Ser variant in a heterozygous state. Segregation of the variant with the disease was shown in one study. The p.Ile181Ser variant was absent from at least 50 controls and is reported at a frequency of 0.000474 in the European (non-Finnish) population of the Genome Aggregation Database. Functional assays in cultured baby hamster kidney cells demonstrated the p.Ile181Ser variant had approximately 5% activity as compared to wild type (Fluharty et al. 1991). It is suggested that the p.Ile181Ser variant is associated with a late-onset phenotype, including juvenile-onset or adult-onset types (Berger et al. 1997; Lugowska et al. 2005). Based on the collective evidence, the p.Ile181Ser variant is classified as a pathogenic variant for arylsulfatase A deficiency. This variant was observed by ICSL as part of a predisposition screen in an ostensibly healthy population.

Centre for Mendelian Genomics, University Medical Centre Ljubljana
Classification: Pathogenic for Metachromatic leukodystrophy. Last evaluated: 2018-10-03. Review status: criteria provided, single submitter. Criteria: ACMG Guidelines, 2015. Collection method: clinical testing. Allele origin: unknown. Affected: yes.
Comment: This variant was classified as: Pathogenic. The following ACMG criteria were applied in classifying this variant: PS1,PS3,PM2,PM3,PP3.

Women's Health and Genetics/Laboratory Corporation of America, LabCorp
Classification: Pathogenic for Metachromatic leukodystrophy. Last evaluated: 2017-03-19. Review status: criteria provided, single submitter. Criteria: LabCorp Variant Classification Summary - May 2015. Collection method: clinical testing. Allele origin: germline.
Comment: Variant summary: The ARSA c.542T>G (p.Ile181Ser) variant located in the alkaline phosphatase-like domain (via InterPro) involves the alteration of a conserved nucleotide, which 3/4 in silico tools (SNPs&GO not captured here due to low reliability index) predict a damaging outcome. The variant of interest was observed in the large, broad control population, ExAC, with an allele frequency of 26/116786 (1/4492), which does not exceed the estimated maximal expected allele frequency of a pathogenic ARSA variant of 1/357. Multiple publications have cited the variant in affected individuals predominantly as compound heterozygotes and indicated to cause late-juvenile/adult onset MLD. In addition, multiple clinical diagnostic laboratories/reputable databases classified this variant as pathogenic. Taken together, this variant is classified as pathogenic.

Eurofins Ntd Llc (ga)
Classification: Pathogenic. Last evaluated: 2015-02-10. Review status: criteria provided, single submitter. Criteria: EGL Classification Definitions 2015. Collection method: clinical testing. Allele origin: germline. Observed: 9 variant alleles, 9 heterozygotes.

Ambry Genetics
Classification: Pathogenic for Inborn genetic diseases. Last evaluated: 2014-09-07. Review status: criteria provided, single submitter. Criteria: Ambry exome assertion method (8-5-2015). Collection method: clinical testing. Allele origin: germline. Affected: yes. Observed: 1 variant allele.

Neuberg Centre For Genomic Medicine, NCGM
Classification: Pathogenic for Metachromatic leukodystrophy. Review status: criteria provided, single submitter. Criteria: ACMG Guidelines, 2015. Collection method: clinical testing. Allele origin: germline. Inheritance: Autosomal recessive inheritance. Affected: yes.
Comment: The missense variant p.I181S in ARSA (NM_000487.6) has been previously reported in compound heterozygous state (Gomez-Lira et al, 1998; Lugowska et al, 2005). Functional studies reveal a damaging effect (Gomez-Lira et al, 1998 : Fluharty et al 1991). The variant has been submitted to ClinVar as Pathogenic. The variant in ARSA is observed in 9/21520 (0.0418%) alleles from individuals of Finnish background in the gnomAD dataset (Exome Aggregation Consortium et al., 2016). The p.I181S missense variant is predicted to be damaging by both SIFT and PolyPhen2. The nucleotide c.542 in ARSA is predicted conserved by GERP++ and PhyloP across 100 vertebrates. For these reasons, this variant has been classified as Pathogenic.

OMIM
Classification: Pathogenic for METACHROMATIC LEUKODYSTROPHY, JUVENILE. Last evaluated: 2002-05-01. Review status: no assertion criteria provided. Collection method: literature only. Allele origin: germline. Not counted in ClinVar's aggregate classification.

OMIM
Classification: Pathogenic for METACHROMATIC LEUKODYSTROPHY, ADULT. Last evaluated: 2002-05-01. Review status: no assertion criteria provided. Collection method: literature only. Allele origin: germline. Not counted in ClinVar's aggregate classification.

Diagnostic Laboratory, Department of Genetics, University Medical Center Groningen
Classification: Pathogenic. Review status: no assertion criteria provided. Collection method: clinical testing. Allele origin: germline. Affected: yes. Study: VKGL Data-share Consensus. Not counted in ClinVar's aggregate classification.

GeneReviews
No classification provided. Condition: Metachromatic leukodystrophy. Review status: no classification provided. Collection method: literature only. Allele origin: germline. Not counted in ClinVar's aggregate classification.

Genome Diagnostics Laboratory, University Medical Center Utrecht
Classification: Pathogenic. Review status: no assertion criteria provided. Collection method: clinical testing. Allele origin: germline. Affected: yes. Study: VKGL Data-share Consensus. Not counted in ClinVar's aggregate classification.

Literature cited by the submitters: PubMed 1684088 (cited by 5 submitters); PubMed 9096767 (cited by 3 submitters); PubMed 12081727 (cited by 5 submitters); PubMed 26462614 (cited by 3 submitters); PubMed 26890752 (cited by Labcorp Genetics (formerly Invitae), Labcorp and Athena Diagnostics); PubMed 9600244 (cited by 4 submitters); PubMed 18693274 (cited by 3 submitters); PubMed 25965562 (cited by Natera, Inc.); PubMed 33855715 (cited by Natera, Inc.); PubMed 10533072 (cited by Athena Diagnostics); PubMed 18786133 (cited by Athena Diagnostics); PubMed 31186049 (cited by Athena Diagnostics); PubMed 23701968 (cited by Athena Diagnostics and Myriad Genetics, Inc.); PubMed 15952986 (cited by Athena Diagnostics and Illumina Laboratory Services, Illumina); PubMed 32632536 (cited by Athena Diagnostics); PubMed 33335837 (cited by Athena Diagnostics); PubMed 28762252 (cited by Athena Diagnostics); PubMed 33046606 (cited by Athena Diagnostics); PubMed 16966551 (cited by Athena Diagnostics); PubMed 24001781 (cited by Women's Health and Genetics/Laboratory Corporation of America, LabCorp); PubMed 12116203 (cited by Ambry Genetics); NCBI Bookshelf NBK1130 (cited by GeneReviews); NCBI Bookshelf NBK1684088 (cited by GeneReviews); NCBI Bookshelf NBK19606494 (cited by GeneReviews); NCBI Bookshelf NBK9096767 (cited by GeneReviews); NCBI Bookshelf NBK15952986 (cited by GeneReviews).